The following is an entry in ClinVar:

ClinVar aggregate classification (germline): Uncertain significance. Review status: criteria provided, multiple submitters, no conflicts (2 of 4 stars). 2 submissions from 2 submitters: Uncertain significance (2). Last evaluated 2023-10-01.

Conditions:
Retinal dystrophy. Also called: Inherited retinal dystrophy. Identifiers: Orphanet 71862, MedGen C0854723, MeSH D058499, MONDO:0019118, HP:0000556.

Allele frequency attached by ClinVar (database versions not stated): gnomAD 0.00001; TOPMed 0.00001; gnomAD exomes 0.00002; ExAC 0.00004.
gnomAD v4.1: 14 of 1,613,978 alleles (0.00087%); highest among the groups gnomAD compares: East Asian, 0.031%; no homozygotes.

Submissions (2):

Dept Of Ophthalmology, Nagoya University
Classification: Uncertain significance for Retinal dystrophy. Last evaluated: 2023-10-01. Review status: criteria provided, single submitter. Criteria: Submitter's publication. Collection method: research. Allele origin: germline. Affected: yes.

GeneDx
Classification: Uncertain significance. Last evaluated: 2023-01-08. Review status: criteria provided, single submitter. Criteria: GeneDx Variant Classification Process June 2021. Collection method: clinical testing. Allele origin: germline. Affected: yes.
Comment: Observed in a cohort of patients with retinitis pigmentosa; however, zygosity and additional clinical information were not provided (Gao et al., 2019); In silico analysis, which includes protein predictors and evolutionary conservation, supports that this variant does not alter protein structure/function; This variant is associated with the following publications: (PMID: 31054281)

NM_006269.2(RP1):c.5332A>G (p.Asn1778Asp)

Genes: RP1 (RP1 axonemal microtubule associated; plus strand), LOC126860392 (CDK7 strongly-dependent group 2 enhancer GRCh37_chr8:55541319-55542518; plus strand). Cytogenetic location: 8q12.1.
Variant type: single nucleotide variant.
Coding change: c.5332A>G on transcript NM_006269.2 (MANE Select); coding-DNA position 5332, A replaced by G.
Protein change: p.Asn1778Asp; replaces asparagine 1778 with aspartic acid.
Molecular consequence: missense variant. On other transcripts: intron variant (1).
Genome position (GRCh38, 1-based): chr8:54,629,214, A>G. VCF-style: chr8-54629214-A-G. GRCh37 (hg19) VCF-style: chr8-55541774-A-G.
Other names: c.787+6926A>G (NM_001375654.1); short protein forms N1778D.
Identifiers: ClinVar variation 1310198 (VCV001310198.3), dbSNP rs779844092, ClinGen allele CA4752045.